The following is an entry in ClinVar:

NM_000088.4(COL1A1):c.636A>G (p.Gly212=)

Gene: COL1A1 (collagen type I alpha 1 chain; minus strand). Cytogenetic location: 17q21.33.
Variant type: single nucleotide variant.
Coding change: c.636A>G on transcript NM_000088.4 (MANE Select); coding-DNA position 636, A replaced by G.
Protein change: p.Gly212=; no amino-acid change (glycine 212 retained).
Molecular consequence: synonymous variant.
Genome position (GRCh38, 1-based): chr17:50,197,955, T>C on the plus strand (A>G on the coding strand, the complement: COL1A1 is on the minus strand). VCF-style: chr17-50197955-T-C. GRCh37 (hg19) VCF-style: chr17-48275316-T-C.
Identifiers: ClinVar variation 4697485 (VCV004697485.1).

ClinVar aggregate classification (germline): Uncertain significance (1 of 4 stars; one submission).

Conditions:
Osteogenesis imperfecta type I (OI1). Also called: OI, TYPE I; OSTEOGENESIS IMPERFECTA TARDA; OSTEOGENESIS IMPERFECTA WITH BLUE SCLERAE; Osteogenesis imperfecta type 1; Lobstein's Disease; Lobstein disease. Identifiers: Orphanet 216796, Orphanet 666, MedGen C0023931, MONDO:0008146, OMIM 166200. Disease mechanism: loss of function.

Submission:

Labcorp Genetics (formerly Invitae), Labcorp
Classification: Uncertain significance for Osteogenesis imperfecta type I. Last evaluated: 2025-12-20. Review status: criteria provided, single submitter. Criteria: Invitae Variant Classification Sherloc (09022015). Collection method: clinical testing. Allele origin: germline.
Comment: This sequence change affects codon 212 of the COL1A1 mRNA. It is a 'silent' change, meaning that it does not change the encoded amino acid sequence of the COL1A1 protein. This variant is not present in population databases (gnomAD no frequency). This variant has not been reported in the literature in individuals affected with COL1A1-related conditions. Algorithms developed to predict the effect of sequence changes on RNA splicing suggest that this variant may disrupt the consensus splice site. In summary, the available evidence is currently insufficient to determine the role of this variant in disease. Therefore, it has been classified as a Variant of Uncertain Significance.